The following is an entry in ClinVar:

ClinVar aggregate classification (germline): Uncertain significance. Review status: criteria provided, multiple submitters, no conflicts (2 of 4 stars). 2 submissions from 2 submitters: Uncertain significance (2). Last evaluated 2024-01-17.

Conditions:
Inborn genetic diseases. Identifiers: MedGen C0950123, MeSH D030342.

Allele frequency attached by ClinVar (database versions not stated): TOPMed 0.00002.

Submissions (2):

Ambry Genetics
Classification: Uncertain significance for Inborn genetic diseases. Last evaluated: 2024-01-17. Review status: criteria provided, single submitter. Criteria: Ambry Variant Classification Scheme 2023. Collection method: clinical testing. Allele origin: germline.

Labcorp Genetics (formerly Invitae), Labcorp
Classification: Uncertain significance. Last evaluated: 2021-09-02. Review status: criteria provided, single submitter. Criteria: Invitae Variant Classification Sherloc (09022015). Collection method: clinical testing. Allele origin: germline.
Comment: This sequence change replaces glutamine with glutamic acid at codon 52 of the COQ9 protein (p.Gln52Glu). The glutamine residue is weakly conserved and there is a small physicochemical difference between glutamine and glutamic acid. This variant is not present in population databases (ExAC no frequency). This variant has not been reported in the literature in individuals affected with COQ9-related conditions. Algorithms developed to predict the effect of missense changes on protein structure and function (SIFT, PolyPhen-2, Align-GVGD) all suggest that this variant is likely to be tolerated. In summary, the available evidence is currently insufficient to determine the role of this variant in disease. Therefore, it has been classified as a Variant of Uncertain Significance.

NM_020312.4(COQ9):c.154C>G (p.Gln52Glu)

Gene: COQ9 (coenzyme Q9; plus strand). Cytogenetic location: 16q21.
Variant type: single nucleotide variant.
Coding change: c.154C>G on transcript NM_020312.4 (MANE Select); coding-DNA position 154, C replaced by G.
Protein change: p.Gln52Glu; replaces glutamine 52 with glutamic acid.
Molecular consequence: missense variant.
Genome position (GRCh38, 1-based): chr16:57,451,120, C>G. VCF-style: chr16-57451120-C-G. GRCh37 (hg19) VCF-style: chr16-57485032-C-G.
Other names: c.154C>G (NM_020312.3); short protein forms Q52E.
Identifiers: ClinVar variation 1469883 (VCV001469883.6), dbSNP rs1291460617, ClinGen allele CA396026668.